The following is an entry in ClinVar:

NM_000051.4(ATM):c.6235G>T (p.Val2079Phe)

Genes: ATM (ATM serine/threonine kinase; plus strand), C11orf65 (chromosome 11 open reading frame 65; minus strand). Cytogenetic location: 11q22.3.
Variant type: single nucleotide variant.
Coding change: c.6235G>T on transcript NM_000051.4 (MANE Select); coding-DNA position 6235, G replaced by T.
Protein change: p.Val2079Phe; replaces valine 2079 with phenylalanine.
Molecular consequence: missense variant. On other transcripts: intron variant (2).
Genome position (GRCh38, 1-based): chr11:108,317,409, G>T. VCF-style: chr11-108317409-G-T. GRCh37 (hg19) VCF-style: chr11-108188136-G-T.
Other names: c.6235G>T, p.Val2079Phe (NM_001351834.2); c.641-8338C>A (NM_001330368.2); c.*39-8338C>A (NM_001351110.2); short protein forms V2079F.
Identifiers: ClinVar variation 3325863 (VCV003325863.1).

ClinVar aggregate classification (germline): Uncertain significance (1 of 4 stars; one submission).

Conditions:
Hereditary cancer-predisposing syndrome. Also called: Neoplastic Syndromes, Hereditary; Tumor predisposition; Hereditary Cancer Syndrome; Hereditary neoplastic syndrome. Identifiers: Orphanet 140162, MedGen C0027672, MeSH D009386, MONDO:0015356.

Submission:

Ambry Genetics
Classification: Uncertain significance for Hereditary cancer-predisposing syndrome. Last evaluated: 2024-05-28. Review status: criteria provided, single submitter. Criteria: Ambry Variant Classification Scheme 2023. Collection method: clinical testing. Allele origin: germline.
Comment: The p.V2079F variant (also known as c.6235G>T), located in coding exon 42 of the ATM gene, results from a G to T substitution at nucleotide position 6235. The valine at codon 2079 is replaced by phenylalanine, an amino acid with highly similar properties. This amino acid position is poorly conserved in available vertebrate species. In addition, this alteration is predicted to be tolerated by in silico analysis. Based on the available evidence, the clinical significance of this variant remains unclear.